The following is an entry in ClinVar:

NM_000540.3(RYR1):c.6479G>T (p.Gly2160Val)

Gene: RYR1 (ryanodine receptor 1; plus strand). Cytogenetic location: 19q13.2.
Variant type: single nucleotide variant.
Coding change: c.6479G>T on transcript NM_000540.3 (MANE Select); coding-DNA position 6479, G replaced by T.
Protein change: p.Gly2160Val; replaces glycine 2160 with valine.
Molecular consequence: missense variant.
Genome position (GRCh38, 1-based): chr19:38,494,556, G>T. VCF-style: chr19-38494556-G-T. GRCh37 (hg19) VCF-style: chr19-38985196-G-T.
Other names: c.6479G>T, p.Gly2160Val (NM_001042723.2); short protein forms G2160V.
Identifiers: ClinVar variation 959133 (VCV000959133.12), dbSNP rs1969716005, ClinGen allele CA405664267.

ClinVar aggregate classification (germline): Uncertain significance. Review status: criteria provided, multiple submitters, no conflicts (2 of 4 stars). 3 submissions from 3 submitters: Uncertain significance (3). Last evaluated 2024-06-30.

Conditions:
RYR1-related disorder. Also called: RYR1-related disorders; RYR1-related condition. Identifiers: MedGen CN239331.
Inborn genetic diseases. Identifiers: MedGen C0950123, MeSH D030342.

gnomAD v4.1: 1 of 1,614,102 alleles (0.000062%); no homozygotes.

Submissions (3):

GeneDx
Classification: Uncertain significance. Last evaluated: 2024-06-30. Review status: criteria provided, single submitter. Criteria: GeneDx Variant Classification Process June 2021. Collection method: clinical testing. Allele origin: germline. Affected: yes.
Comment: Not observed at significant frequency in large population cohorts (gnomAD); In silico analysis supports that this missense variant has a deleterious effect on protein structure/function; Has not been previously published as pathogenic or benign to our knowledge; This variant is associated with the following publications: (PMID: 12668474, 33767344)

Ambry Genetics
Classification: Uncertain significance for Inborn genetic diseases. Last evaluated: 2023-09-14. Review status: criteria provided, single submitter. Criteria: Ambry Variant Classification Scheme 2023. Collection method: clinical testing. Allele origin: germline.

Labcorp Genetics (formerly Invitae), Labcorp
Classification: Uncertain significance for RYR1-related disorder. Last evaluated: 2022-09-27. Review status: criteria provided, single submitter. Criteria: Invitae Variant Classification Sherloc (09022015). Collection method: clinical testing. Allele origin: germline.
Comment: This variant is not present in population databases (gnomAD no frequency). This sequence change replaces glycine, which is neutral and non-polar, with valine, which is neutral and non-polar, at codon 2160 of the RYR1 protein (p.Gly2160Val). This variant has not been reported in the literature in individuals affected with RYR1-related conditions. In summary, the available evidence is currently insufficient to determine the role of this variant in disease. Therefore, it has been classified as a Variant of Uncertain Significance. Advanced modeling of protein sequence and biophysical properties (such as structural, functional, and spatial information, amino acid conservation, physicochemical variation, residue mobility, and thermodynamic stability) has been performed at Invitae for this missense variant, however the output from this modeling did not meet the statistical confidence thresholds required to predict the impact of this variant on RYR1 protein function. ClinVar contains an entry for this variant (Variation ID: 959133).